The following is an entry in ClinVar:

ClinVar aggregate classification (germline): Uncertain significance (1 of 4 stars; one submission).

Conditions:
Primary ciliary dyskinesia 27. Also called: CILIARY DYSKINESIA, PRIMARY, 27, WITHOUT SITUS INVERSUS. Identifiers: Orphanet 244, MedGen C3809701, MONDO:0014215, OMIM 615504.

Submission:

Labcorp Genetics (formerly Invitae), Labcorp
Classification: Uncertain significance for Primary ciliary dyskinesia 27. Last evaluated: 2022-08-06. Review status: criteria provided, single submitter. Criteria: Invitae Variant Classification Sherloc (09022015). Collection method: clinical testing. Allele origin: germline.
Comment: This sequence change replaces histidine, which is basic and polar, with proline, which is neutral and non-polar, at codon 52 of the CCDC65 protein (p.His52Pro). This variant is not present in population databases (gnomAD no frequency). This variant has not been reported in the literature in individuals affected with CCDC65-related conditions. Algorithms developed to predict the effect of missense changes on protein structure and function (SIFT, PolyPhen-2, Align-GVGD) all suggest that this variant is likely to be tolerated. In summary, the available evidence is currently insufficient to determine the role of this variant in disease. Therefore, it has been classified as a Variant of Uncertain Significance.

NM_033124.5(DRC2):c.155A>C (p.His52Pro)

Gene: DRC2 (dynein regulatory complex subunit 2; plus strand). Cytogenetic location: 12q13.12.
Variant type: single nucleotide variant.
Coding change: c.155A>C on transcript NM_033124.5 (MANE Select); coding-DNA position 155, A replaced by C.
Protein change: p.His52Pro; replaces histidine 52 with proline.
Molecular consequence: missense variant. On other transcripts: 5 prime UTR variant (1).
Genome position (GRCh38, 1-based): chr12:48,904,968, A>C. VCF-style: chr12-48904968-A-C. GRCh37 (hg19) VCF-style: chr12-49298751-A-C.
Other names: c.-275A>C (NM_001286957.2); short protein forms H52P.
Identifiers: ClinVar variation 2065694 (VCV002065694.1), dbSNP rs145274212, ClinGen allele CA384653815.